The following is an entry in ClinVar:

ClinVar aggregate classification (germline): Uncertain significance (1 of 4 stars; one submission).

gnomAD v4.1: 2 of 1,614,044 alleles (0.00012%); highest among the groups gnomAD compares: Non-Finnish European, 0.000085%; no homozygotes.

Submission:

Ambry Genetics
Classification: Uncertain significance. Last evaluated: 2022-06-20. Review status: criteria provided, single submitter. Criteria: Ambry Variant Classification Scheme 2023. Collection method: clinical testing. Allele origin: germline.
Comment: The p.Q1355H variant (also known as c.4065G>C), located in coding exon 16 of the POLQ gene, results from a G to C substitution at nucleotide position 4065. The glutamine at codon 1355 is replaced by histidine, an amino acid with highly similar properties. This amino acid position is conserved. In addition, this alteration is predicted to be tolerated by in silico analysis. Since supporting evidence is limited at this time, the clinical significance of this alteration remains unclear.

NM_199420.4(POLQ):c.4065G>C (p.Gln1355His)

Gene: POLQ (DNA polymerase theta; minus strand). Cytogenetic location: 3q13.33.
Variant type: single nucleotide variant.
Coding change: c.4065G>C on transcript NM_199420.4 (MANE Select); coding-DNA position 4065, G replaced by C.
Protein change: p.Gln1355His; replaces glutamine 1355 with histidine.
Molecular consequence: missense variant.
Genome position (GRCh38, 1-based): chr3:121,488,866, C>G on the plus strand (G>C on the coding strand, the complement: POLQ is on the minus strand). VCF-style: chr3-121488866-C-G. GRCh37 (hg19) VCF-style: chr3-121207713-C-G.
Other names: short protein forms Q1355H.
Identifiers: ClinVar variation 1737500 (VCV001737500.2), dbSNP rs2546786408, ClinGen allele CA354096309.
Genomic context (GRCh38, chr3:121,488,866, plus strand): 5'-AAAAGGAATGTGACACTCCTTCTGAAAAGAGTTCATTGAGTTCTGTTGGACTAAGCTCTT[C>G]TGCATTATCCCTGCTGCCAGGTTGGTGTCCTTTGCTCCTAGTTTGGCATTTTCAGTTGCC-3'
Protein context (NP_955452.3, residues 1345-1365): KDTNLAAGIM[Gln1355His]KSLVQQNSMN